The following is an entry in ClinVar:

ClinVar aggregate classification (germline): Uncertain significance. Review status: criteria provided, multiple submitters, no conflicts (2 of 4 stars). 2 submissions from 2 submitters: Uncertain significance (2). Last evaluated 2024-03-01.

Conditions:
Inborn genetic diseases. Identifiers: MedGen C0950123, MeSH D030342.

Allele frequency attached by ClinVar (database versions not stated): TOPMed below 0.00001; gnomAD exomes 0.00001.

Submissions (2):

Ambry Genetics
Classification: Uncertain significance for Inborn genetic diseases. Last evaluated: 2024-03-01. Review status: criteria provided, single submitter. Criteria: Ambry Variant Classification Scheme 2023. Collection method: clinical testing. Allele origin: germline.

Labcorp Genetics (formerly Invitae), Labcorp
Classification: Uncertain significance. Last evaluated: 2022-04-13. Review status: criteria provided, single submitter. Criteria: Invitae Variant Classification Sherloc (09022015). Collection method: clinical testing. Allele origin: germline.
Comment: In summary, the available evidence is currently insufficient to determine the role of this variant in disease. Therefore, it has been classified as a Variant of Uncertain Significance. Advanced modeling of protein sequence and biophysical properties (such as structural, functional, and spatial information, amino acid conservation, physicochemical variation, residue mobility, and thermodynamic stability) performed at Invitae indicates that this missense variant is not expected to disrupt YARS2 protein function. This variant has not been reported in the literature in individuals affected with YARS2-related conditions. This variant is present in population databases (no rsID available, gnomAD 0.006%). This sequence change replaces phenylalanine, which is neutral and non-polar, with leucine, which is neutral and non-polar, at codon 168 of the YARS2 protein (p.Phe168Leu).

NM_001040436.3(YARS2):c.502T>C (p.Phe168Leu)

Gene: YARS2 (tyrosyl-tRNA synthetase 2; minus strand). Cytogenetic location: 12p11.21.
Variant type: single nucleotide variant.
Coding change: c.502T>C on transcript NM_001040436.3 (MANE Select); coding-DNA position 502, T replaced by C.
Protein change: p.Phe168Leu; replaces phenylalanine 168 with leucine.
Molecular consequence: missense variant.
Genome position (GRCh38, 1-based): chr12:32,755,373, A>G on the plus strand (T>C on the coding strand, the complement: YARS2 is on the minus strand). VCF-style: chr12-32755373-A-G. GRCh37 (hg19) VCF-style: chr12-32908307-A-G.
Other names: c.502T>C (NM_001040436.2); short protein forms F168L.
Identifiers: ClinVar variation 1904714 (VCV001904714.5), dbSNP rs988006669, ClinGen allele CA235220906.